The following is an entry in ClinVar:

NM_003542.4(H4C3):c.267T>C (p.Tyr89=)

Gene: H4C3 (H4 clustered histone 3; plus strand). Cytogenetic location: 6p22.2.
Variant type: single nucleotide variant.
Coding change: c.267T>C on transcript NM_003542.4 (MANE Select); coding-DNA position 267, T replaced by C.
Protein change: p.Tyr89=; no amino-acid change (tyrosine 89 retained).
Molecular consequence: synonymous variant.
Genome position (GRCh38, 1-based): chr6:26,104,214, T>C. VCF-style: chr6-26104214-T-C. GRCh37 (hg19) VCF-style: chr6-26104442-T-C.
Identifiers: ClinVar variation 3771026 (VCV003771026.13).

ClinVar aggregate classification (germline): Likely benign (1 of 4 stars; one submission).

gnomAD v4.1: 666 of 1,612,396 alleles (0.041%); highest among the groups gnomAD compares: Non-Finnish European, 0.053%; no homozygotes.

Submission:

CeGaT Center for Human Genetics Tuebingen
Classification: Likely benign. Last evaluated: 2024-12-01. Review status: criteria provided, single submitter. Criteria: CeGaT Center For Human Genetics Tuebingen Variant Classification Criteria Version 2. Collection method: clinical testing. Allele origin: germline. Affected: yes. Observed: 1 variant allele.
Comment: H4C3: BP4, BP7